The following is an entry in ClinVar:

ClinVar aggregate classification (germline): Uncertain significance. Review status: criteria provided, multiple submitters, no conflicts (2 of 4 stars). 2 submissions from 2 submitters: Uncertain significance (2). Last evaluated 2025-05-26.

Allele frequency attached by ClinVar (database versions not stated): ExAC 0.00002; gnomAD 0.00003; gnomAD exomes 0.00001; TOPMed 0.00002.
gnomAD v4.1: 14 of 1,614,104 alleles (0.00087%); highest among the groups gnomAD compares: Non-Finnish European, 0.0012%; no homozygotes.

Submissions (2):

Labcorp Genetics (formerly Invitae), Labcorp
Classification: Uncertain significance. Last evaluated: 2025-05-26. Review status: criteria provided, single submitter. Criteria: Invitae Variant Classification Sherloc (09022015). Collection method: clinical testing. Allele origin: germline.
Comment: This sequence change replaces threonine, which is neutral and polar, with alanine, which is neutral and non-polar, at codon 718 of the RFWD3 protein (p.Thr718Ala). This variant is present in population databases (rs760505640, gnomAD 0.003%). This variant has not been reported in the literature in individuals affected with RFWD3-related conditions. ClinVar contains an entry for this variant (Variation ID: 2273253). An algorithm developed to predict the effect of missense changes on protein structure and function outputs the following: PolyPhen-2: "Benign". The alanine amino acid residue is found in multiple mammalian species, which suggests that this missense change does not adversely affect protein function. In summary, the available evidence is currently insufficient to determine the role of this variant in disease. Therefore, it has been classified as a Variant of Uncertain Significance.

Ambry Genetics
Classification: Uncertain significance. Last evaluated: 2022-01-26. Review status: criteria provided, single submitter. Criteria: Ambry Variant Classification Scheme 2023. Collection method: clinical testing. Allele origin: germline.

NM_018124.4(RFWD3):c.2152A>G (p.Thr718Ala)

Gene: RFWD3 (ring finger and WD repeat domain 3; minus strand). Cytogenetic location: 16q23.1.
Variant type: single nucleotide variant.
Coding change: c.2152A>G on transcript NM_018124.4 (MANE Select); coding-DNA position 2152, A replaced by G.
Protein change: p.Thr718Ala; replaces threonine 718 with alanine.
Molecular consequence: missense variant.
Genome position (GRCh38, 1-based): chr16:74,626,372, T>C on the plus strand (A>G on the coding strand, the complement: RFWD3 is on the minus strand). VCF-style: chr16-74626372-T-C. GRCh37 (hg19) VCF-style: chr16-74660270-T-C.
Other names: c.2152A>G, p.Thr718Ala (NM_001370534.1, NM_001370535.1); c.1975A>G, p.Thr659Ala (NM_001370536.1); c.1318A>G, p.Thr440Ala (NM_001370537.1, NM_001370539.1, NM_001370540.1 and 3 more transcripts); short protein forms T659A, T718A, T440A.
Identifiers: ClinVar variation 2273253 (VCV002273253.5), dbSNP rs760505640, ClinGen allele CA8168981.